The following is an entry in ClinVar:

ClinVar aggregate classification (germline): Uncertain significance (1 of 4 stars; one submission).

Conditions:
RYR1-related disorder. Also called: RYR1-related disorders; RYR1-related condition. Identifiers: MedGen CN239331.

Submission:

Labcorp Genetics (formerly Invitae), Labcorp
Classification: Uncertain significance for RYR1-related disorder. Last evaluated: 2022-06-04. Review status: criteria provided, single submitter. Criteria: Invitae Variant Classification Sherloc (09022015). Collection method: clinical testing. Allele origin: germline.
Comment: Advanced modeling of protein sequence and biophysical properties (such as structural, functional, and spatial information, amino acid conservation, physicochemical variation, residue mobility, and thermodynamic stability) performed at Invitae indicates that this missense variant is not expected to disrupt RYR1 protein function. ClinVar contains an entry for this variant (Variation ID: 656333). This variant has not been reported in the literature in individuals affected with RYR1-related conditions. This variant is not present in population databases (gnomAD no frequency). This sequence change replaces glutamic acid, which is acidic and polar, with lysine, which is basic and polar, at codon 4269 of the RYR1 protein (p.Glu4269Lys). In summary, the available evidence is currently insufficient to determine the role of this variant in disease. Therefore, it has been classified as a Variant of Uncertain Significance.

NM_000540.3(RYR1):c.12805G>A (p.Glu4269Lys)

Gene: RYR1 (ryanodine receptor 1; plus strand). Cytogenetic location: 19q13.2.
Variant type: single nucleotide variant.
Coding change: c.12805G>A on transcript NM_000540.3 (MANE Select); coding-DNA position 12805, G replaced by A.
Protein change: p.Glu4269Lys; replaces glutamic acid 4269 with lysine.
Molecular consequence: missense variant.
Genome position (GRCh38, 1-based): chr19:38,565,139, G>A. VCF-style: chr19-38565139-G-A. GRCh37 (hg19) VCF-style: chr19-39055779-G-A.
Other names: c.12790G>A, p.Glu4264Lys (NM_001042723.2); short protein forms E4264K, E4269K.
Identifiers: ClinVar variation 656333 (VCV000656333.8), dbSNP rs1599634443, ClinGen allele CA405671197.
Genomic context (GRCh38, chr19:38,565,139, plus strand): 5'-CAGATCTCGGAGCCCGAGGGCGAGCCGGAGACCGACGAGGACGAGGGCGCGGGCGCGGCG[G>A]AGGCGGGCGCGGAAGGCGCGGAGGAGGGCGCGGCGGGGCTCGAGGGCACGGCGGCCACGG-3'
Protein context (NP_000531.2, residues 4259-4279): TDEDEGAGAA[Glu4269Lys]AGAEGAEEGA